The following is an entry in ClinVar:

ClinVar aggregate classification (germline): Conflicting classifications of pathogenicity. Review status: criteria provided, conflicting classifications (1 of 4 stars). 2 submissions from 2 submitters: Likely pathogenic (1); Uncertain significance (1). Last evaluated 2025-06-17.

Conditions:
Hereditary cancer-predisposing syndrome. Also called: Neoplastic Syndromes, Hereditary; Tumor predisposition; Hereditary Cancer Syndrome; Hereditary neoplastic syndrome. Identifiers: Orphanet 140162, MedGen C0027672, MeSH D009386, MONDO:0015356.

Submissions (2):

Ambry Genetics
Classification: Uncertain significance for Hereditary cancer-predisposing syndrome. Last evaluated: 2025-06-17. Review status: criteria provided, single submitter. Criteria: Ambry Variant Classification Scheme 2023. Collection method: clinical testing. Allele origin: germline.
Comment: The c.2914delG variant, located in coding exon 25 of the TSC2 gene, results from a deletion of one nucleotide at nucleotide position 2914, causing a translational frameshift with a predicted alternate stop codon (p.A972Pfs*44). This alteration is expected to result in loss of function by premature protein truncation or nonsense-mediated mRNA decay. However, this variant occurs in an exon that is absent in biologically relevant transcripts (Ekong R et al. Hum. Mutat. 2016 Apr; 37:362-70). Based on the available evidence, the clinical significance of this alteration remains unclear.

Quest Diagnostics Nichols Institute San Juan Capistrano
Classification: Likely pathogenic. Last evaluated: 2025-04-03. Review status: criteria provided, single submitter. Criteria: Quest Diagnostics criteria. Collection method: clinical testing. Allele origin: unknown.
Comment: The TSC2 c.2914del (p.Ala972Profs*44) variant alters the translational reading frame of the TSC2 mRNA and is predicted to cause the premature termination of TSC2 protein synthesis. This variant has not been reported in individuals with TSC2-related conditions in the published literature. This variant has not been reported in large, multi-ethnic general populations (Genome Aggregation Database). Based on the available information, this variant is classified as likely pathogenic.

NM_000548.5(TSC2):c.2914del (p.Ala972fs)

Gene: TSC2 (TSC complex subunit 2; plus strand). Cytogenetic location: 16p13.3.
Variant type: Deletion.
Coding change: c.2914del on transcript NM_000548.5 (MANE Select); coding-DNA position 2914, one base deleted (G; older notation c.2914delG).
Protein change: p.Ala972fs; shifts the reading frame from alanine 972.
Molecular consequence: frameshift variant. On other transcripts: intron variant (31).
Genome position (GRCh38, 1-based): chr16:2,077,674, G deleted. VCF-style (leftmost placement, unchanged base first): chr16-2077673-AG-A. GRCh37 (hg19) VCF-style: chr16-2127674-AG-A.
Other names: c.2767del, p.Ala923fs (NM_001406675.1, NM_001406676.1); c.2314del, p.Ala772fs (NM_001406680.1, NM_001406682.1, NM_001406683.1 and 1 more transcripts); c.1570del, p.Ala524fs (NM_001406689.1); c.1493+1089del (NM_001406693.1, NM_001406690.1, NM_001406692.1 and 5 more transcripts); c.2927+1089del (NM_001406667.1, NM_001406668.1); c.2237+1089del (NM_001406687.1, NM_001406686.1, NM_001406685.1 and 2 more transcripts); c.2870+1089del (NM_001318832.2); c.2914delG, p.Ala972Profs (NM_000548.3); and 10 more; short protein forms A772fs, A972fs, A524fs, A923fs, A935fs.
Identifiers: ClinVar variation 4192114 (VCV004192114.2).